The following is an entry in ClinVar:

NM_002547.3(OPHN1):c.1134A>C (p.Gln378His)

Gene: OPHN1 (oligophrenin 1; minus strand). Cytogenetic location: Xq12.
Variant type: single nucleotide variant.
Coding change: c.1134A>C on transcript NM_002547.3 (MANE Select); coding-DNA position 1134, A replaced by C.
Protein change: p.Gln378His; replaces glutamine 378 with histidine.
Molecular consequence: missense variant.
Genome position (GRCh38, 1-based): chrX:68,194,469, T>G on the plus strand (A>C on the coding strand, the complement: OPHN1 is on the minus strand). VCF-style: chrX-68194469-T-G. GRCh37 (hg19) VCF-style: chrX-67414311-T-G.
Other names: c.1134A>C, p.Gln378His (NM_001437258.1); short protein forms Q378H.
Identifiers: ClinVar variation 4076653 (VCV004076653.1).
Genomic context (GRCh38, chrX:68,194,469, plus strand): 5'-GAATCGGACAGCTGGCAGTTTATAATGCTAGTAGACCAAAAACTTAAGTGACTCACTTTC[T>G]TGCTGTTTTGTTATAGGGCTGTGGTAGATCTACAAAAGAAGATAAACAGAAAGATCCATG-3'
Protein context (NP_002538.1, residues 368-388): PIYHSPITKQ[Gln378His]EMELNEVGFK

ClinVar aggregate classification (germline): Uncertain significance (1 of 4 stars; one submission).

gnomAD v4.1: 9 of 1,208,045 alleles (0.00075%); highest among the groups gnomAD compares: Non-Finnish European, 0.001%; no homozygotes.

Submission:

GeneDx
Classification: Uncertain significance. Last evaluated: 2025-01-16. Review status: criteria provided, single submitter. Criteria: GeneDx Variant Classification Process June 2021. Collection method: clinical testing. Allele origin: germline. Affected: yes.
Comment: Not observed at significant frequency in large population cohorts (gnomAD); In silico analysis indicates that this missense variant does not alter protein structure/function; Has not been previously published as pathogenic or benign to our knowledge